The following is an entry in ClinVar:

ClinVar aggregate classification (germline): Likely pathogenic (1 of 4 stars; one submission).

Submission:

Labcorp Genetics (formerly Invitae), Labcorp
Classification: Likely pathogenic. Last evaluated: 2022-09-01. Review status: criteria provided, single submitter. Criteria: Invitae Variant Classification Sherloc (09022015). Collection method: clinical testing. Allele origin: germline.
Comment: Algorithms developed to predict the effect of sequence changes on RNA splicing suggest that this variant may disrupt the consensus splice site. This sequence change affects an acceptor splice site in intron 18 of the NPHS1 gene. It is expected to disrupt RNA splicing. Variants that disrupt the donor or acceptor splice site typically lead to a loss of protein function (PMID: 16199547), and loss-of-function variants in NPHS1 are known to be pathogenic (PMID: 11317351, 11854170, 12039988). This variant is not present in population databases (gnomAD no frequency). This variant has not been reported in the literature in individuals affected with NPHS1-related conditions. ClinVar contains an entry for this variant (Variation ID: 1066801). In summary, the currently available evidence indicates that the variant is pathogenic, but additional data are needed to prove that conclusively. Therefore, this variant has been classified as Likely Pathogenic.

Literature cited by the submitters: PubMed 16199547; PubMed 11317351; PubMed 11854170; PubMed 12039988.

NM_004646.4(NPHS1):c.2507-2A>G

Gene: NPHS1 (NPHS1 adhesion molecule, nephrin; minus strand). Cytogenetic location: 19q13.12.
Variant type: single nucleotide variant.
Coding change: c.2507-2A>G on transcript NM_004646.4 (MANE Select); the canonical splice acceptor site of the intron before coding-DNA position 2507, A replaced by G.
Molecular consequence: splice acceptor variant.
Genome position (GRCh38, 1-based): chr19:35,842,282, T>C on the plus strand (A>G on the coding strand, the complement: NPHS1 is on the minus strand). VCF-style: chr19-35842282-T-C. GRCh37 (hg19) VCF-style: chr19-36333184-T-C.
Identifiers: ClinVar variation 1066801 (VCV001066801.7), dbSNP rs2146819530, ClinGen allele CA405392348.